The following is an entry in ClinVar:

NM_033337.3(CAV3):c.215G>A (p.Cys72Tyr)

Genes: CAV3 (caveolin 3; plus strand), OXTR (oxytocin receptor; minus strand). Cytogenetic location: 3p25.3.
Variant type: single nucleotide variant.
Coding change: c.215G>A on transcript NM_033337.3 (MANE Select); coding-DNA position 215, G replaced by A.
Protein change: p.Cys72Tyr; replaces cysteine 72 with tyrosine.
Molecular consequence: missense variant.
Genome position (GRCh38, 1-based): chr3:8,745,626, G>A. VCF-style: chr3-8745626-G-A. GRCh37 (hg19) VCF-style: chr3-8787312-G-A.
Other names: c.215G>A, p.Cys72Tyr (NM_001234.5); short protein forms C72Y.
Identifiers: ClinVar variation 2821967 (VCV002821967.3), dbSNP rs2470062175, ClinGen allele CA351663314.

ClinVar aggregate classification (germline): Uncertain significance (1 of 4 stars; one submission).

Conditions:
Long QT syndrome (LQTS). Identifiers: MedGen C0023976, MeSH D008133, MONDO:0002442. Disease mechanism: loss of function. Inheritance: Various modes of inheritance.

Submission:

Labcorp Genetics (formerly Invitae), Labcorp
Classification: Uncertain significance for Long QT syndrome. Last evaluated: 2022-12-19. Review status: criteria provided, single submitter. Criteria: Invitae Variant Classification Sherloc (09022015). Collection method: clinical testing. Allele origin: germline.
Comment: In summary, the available evidence is currently insufficient to determine the role of this variant in disease. Therefore, it has been classified as a Variant of Uncertain Significance. Algorithms developed to predict the effect of missense changes on protein structure and function (SIFT, PolyPhen-2, Align-GVGD) all suggest that this variant is likely to be disruptive. This variant has not been reported in the literature in individuals affected with CAV3-related conditions. This variant is not present in population databases (gnomAD no frequency). This sequence change replaces cysteine, which is neutral and slightly polar, with tyrosine, which is neutral and polar, at codon 72 of the CAV3 protein (p.Cys72Tyr).